The following is an entry in ClinVar:

ClinVar aggregate classification (germline): Uncertain significance (0 of 4 stars; one submission).

Conditions:
NCOA1-related disorder. Also called: NCOA1-related condition.

Allele frequency attached by ClinVar (database versions not stated): gnomAD exomes below 0.00001; ExAC 0.00002.
gnomAD v4.1: 2 of 1,614,236 alleles (0.00012%); highest among the groups gnomAD compares: Non-Finnish European, 0.00017%; no homozygotes.

Submission:

PreventionGenetics, part of Exact Sciences
Classification: Uncertain significance for NCOA1-related condition. Last evaluated: 2023-11-14. Review status: no assertion criteria provided. Collection method: clinical testing. Allele origin: germline.
Comment: The NCOA1 c.2003C>T variant is predicted to result in the amino acid substitution p.Ser668Phe. To our knowledge, this variant has not been reported in the literature. This variant is reported in 0.0018% of alleles in individuals of European (Non-Finnish) descent in gnomAD. At this time, the clinical significance of this variant is uncertain due to the absence of conclusive functional and genetic evidence.

NM_003743.5(NCOA1):c.2003C>T (p.Ser668Phe)

Gene: NCOA1 (nuclear receptor coactivator 1; plus strand). Cytogenetic location: 2p23.3.
Variant type: single nucleotide variant.
Coding change: c.2003C>T on transcript NM_003743.5 (MANE Select); coding-DNA position 2003, C replaced by T.
Protein change: p.Ser668Phe; replaces serine 668 with phenylalanine.
Molecular consequence: missense variant.
Genome position (GRCh38, 1-based): chr2:24,707,473, C>T. VCF-style: chr2-24707473-C-T. GRCh37 (hg19) VCF-style: chr2-24930342-C-T.
Other names: c.2003C>T, p.Ser668Phe (NM_001362950.1, NM_001362952.1, NM_001362954.1 and 3 more transcripts); short protein forms S668F.
Identifiers: ClinVar variation 3032246 (VCV003032246.2), dbSNP rs768705510, ClinGen allele CA1552340.